The following is an entry in ClinVar:

NM_001001344.3(ATP2B3):c.2029G>A (p.Val677Met)

Gene: ATP2B3 (ATPase plasma membrane Ca2+ transporting 3; plus strand). Cytogenetic location: Xq28.
Variant type: single nucleotide variant.
Coding change: c.2029G>A on transcript NM_001001344.3 (MANE Select); coding-DNA position 2029, G replaced by A.
Protein change: p.Val677Met; replaces valine 677 with methionine.
Molecular consequence: missense variant.
Genome position (GRCh38, 1-based): chrX:153,553,240, G>A. VCF-style: chrX-153553240-G-A. GRCh37 (hg19) VCF-style: chrX-152818698-G-A.
Other names: c.2029G>A, p.Val677Met (NM_001388360.1, NM_001388361.1, NM_001388362.1 and 1 more transcripts); short protein forms V677M.
Identifiers: ClinVar variation 382495 (VCV000382495.4), dbSNP rs781901998, ClinGen allele CA10547861.
Genomic context (GRCh38, chrX:153,553,240, plus strand): 5'-CAGGAGCCCGACTGGGACAACGAGAATGAGGTCGTGGGTGACCTCACCTGCATAGCTGTC[G>A]TGGGCATTGAGGACCCTGTGCGGCCCGAGGTAGCCACCACCTTCTCTGTGAGCTGCCCTG-3'
Protein context (NP_001001344.1, residues 667-687): VVGDLTCIAV[Val677Met]GIEDPVRPEV

ClinVar aggregate classification (germline): Conflicting classifications of pathogenicity. Review status: criteria provided, conflicting classifications (1 of 4 stars). 2 submissions from 2 submitters: Uncertain significance (1); Likely benign (1). Last evaluated 2023-05-04.

Conditions:
Inborn genetic diseases. Identifiers: MedGen C0950123, MeSH D030342.

Allele frequency attached by ClinVar (database versions not stated): TOPMed below 0.00001; gnomAD 0.00001; gnomAD exomes 0.00001 and 0.00004; ExAC 0.00004.
gnomAD v4.1: 14 of 1,206,603 alleles (0.0012%); highest among the groups gnomAD compares: Middle Eastern, 0.023%; no homozygotes.

Submissions (2):

Ambry Genetics
Classification: Likely benign for Inborn genetic diseases. Last evaluated: 2023-05-04. Review status: criteria provided, single submitter. Criteria: Ambry Variant Classification Scheme 2023. Collection method: clinical testing. Allele origin: germline.

GeneDx
Classification: Uncertain significance. Last evaluated: 2015-12-29. Review status: criteria provided, single submitter. Criteria: GeneDx Variant Classification (06012015). Collection method: clinical testing. Allele origin: germline. Affected: yes.
Comment: The V677M variant in the ATP2B3 gene has not been reported previously as a pathogenic variant, nor as a benign variant, to our knowledge. The V677M variant was not observed in approximately 6500 individuals of European and African American ancestry in the NHLBI Exome Sequencing Project, indicating it is not a common benign variant in these populations. The V677M variant is a conservative amino acid substitution, which is not likely to impact secondary protein structure as these residues share similar properties. This substitution occurs at a position that is conserved across species. In silico analysis predicts this variant is probably damaging to the protein structure/function. We interpret V677M as a variant of uncertain significance.